The following is an entry in ClinVar:

NM_002016.2(FLG):c.7995C>T (p.Ser2665=)

Genes: CCDST (cervical cancer associated DHX9 suppressive transcript; plus strand), FLG (filaggrin; minus strand). Cytogenetic location: 1q21.3.
Variant type: single nucleotide variant.
Coding change: c.7995C>T on transcript NM_002016.2 (MANE Select); coding-DNA position 7995, C replaced by T.
Protein change: p.Ser2665=; no amino-acid change (serine 2665 retained).
Molecular consequence: synonymous variant.
Genome position (GRCh38, 1-based): chr1:152,306,891, G>A on the plus strand (C>T on the coding strand, the complement: FLG is on the minus strand). VCF-style: chr1-152306891-G-A. GRCh37 (hg19) VCF-style: chr1-152279367-G-A.
Identifiers: ClinVar variation 2639260 (VCV002639260.25), dbSNP rs2525158621, ClinGen allele CA420928404.

ClinVar aggregate classification (germline): Likely benign. Review status: criteria provided, multiple submitters, no conflicts (2 of 4 stars). 2 submissions from 2 submitters: Likely benign (2). Last evaluated 2022-11-01.

Submissions (2):

CeGaT Center for Human Genetics Tuebingen
Classification: Likely benign. Last evaluated: 2022-11-01. Review status: criteria provided, single submitter. Criteria: CeGaT Center For Human Genetics Tuebingen Variant Classification Criteria Version 2. Collection method: clinical testing. Allele origin: germline. Affected: yes. Observed: 1 variant allele.
Comment: FLG: PM2:Supporting, BP4, BP7

Blueprint Genetics
Classification: Likely benign. Last evaluated: 2022-06-23. Review status: criteria provided, single submitter. Criteria: ACMG Guidelines, 2015. Collection method: clinical testing. Allele origin: germline.